The following is an entry in ClinVar:

ClinVar aggregate classification (germline): Benign. Review status: criteria provided, multiple submitters, no conflicts (2 of 4 stars). 2 submissions from 2 submitters: Benign (2). Last evaluated 2018-06-14.

Allele frequency attached by ClinVar (database versions not stated): 1000 Genomes Project 0.38618; 1000 Genomes Project 30x 0.38913; TOPMed 0.49214; gnomAD 0.50614 and 0.51008; ESP Exome Variant Server 0.52300.
gnomAD v4.1: 880,185 of 1,516,592 alleles (58%); highest among the groups gnomAD compares: Middle Eastern, 63%; 264,261 homozygotes.

Submissions (2):

GeneDx
Classification: Benign. Last evaluated: 2018-06-14. Review status: criteria provided, single submitter. Criteria: GeneDx Variant Classification (06012015). Collection method: clinical testing. Allele origin: germline. Affected: yes.
Comment: This variant is considered likely benign or benign based on one or more of the following criteria: it is a conservative change, it occurs at a poorly conserved position in the protein, it is predicted to be benign by multiple in silico algorithms, and/or has population frequency not consistent with disease.

Breakthrough Genomics
Classification: Benign. Review status: criteria provided, single submitter. Criteria: ACMG Guidelines, 2015. Collection method: not provided. Allele origin: germline. Inheritance: Autosomal dominant inheritance. Affected: yes.

NM_031220.4(PITPNM3):c.351+54C>G

Gene: PITPNM3 (PITPNM family member 3; minus strand). Cytogenetic location: 17p13.2.
Variant type: single nucleotide variant.
Coding change: c.351+54C>G on transcript NM_031220.4 (MANE Select); 54 bases into the intron after coding-DNA position 351, C replaced by G.
Molecular consequence: intron variant.
Genome position (GRCh38, 1-based): chr17:6,484,162, G>C on the plus strand (C>G on the coding strand, the complement: PITPNM3 is on the minus strand). VCF-style: chr17-6484162-G-C. GRCh37 (hg19) VCF-style: chr17-6387482-G-C.
Other names: c.243+54C>G (NM_001165966.2).
Identifiers: ClinVar variation 677223 (VCV000677223.2), dbSNP rs11656015, ClinGen allele CA14394439.
Genomic context (GRCh38, chr17:6,484,162, plus strand): 5'-CACAGCAAGTCAGACGAAGAGCTGGAAGAAAACGAGGCCGCCTATGATCCGAGGGCTCTT[G>C]CTAAAATCCTGGCCTCTGAGTTGAGCCCAGACACCCTCCGAAGCCCAGCCTACCTCGCTG-3'